The following is an entry in ClinVar:

ClinVar aggregate classification (germline): Uncertain significance (1 of 4 stars; one submission).

Conditions:
Immunodeficiency 39 (IMD39). Identifiers: Orphanet 574918, MedGen C4225358, MONDO:0014597, OMIM 616345.

gnomAD v4.1: 1 of 1,610,304 alleles (0.000062%); no homozygotes.

Submission:

Labcorp Genetics (formerly Invitae), Labcorp
Classification: Uncertain significance for Immunodeficiency 39. Last evaluated: 2022-10-25. Review status: criteria provided, single submitter. Criteria: Invitae Variant Classification Sherloc (09022015). Collection method: clinical testing. Allele origin: germline.
Comment: Advanced modeling of protein sequence and biophysical properties (such as structural, functional, and spatial information, amino acid conservation, physicochemical variation, residue mobility, and thermodynamic stability) performed at Invitae indicates that this missense variant is not expected to disrupt IRF7 protein function. In summary, the available evidence is currently insufficient to determine the role of this variant in disease. Therefore, it has been classified as a Variant of Uncertain Significance. This sequence change replaces glycine, which is neutral and non-polar, with glutamic acid, which is acidic and polar, at codon 395 of the IRF7 protein (p.Gly395Glu). This variant is not present in population databases (gnomAD no frequency). This variant has not been reported in the literature in individuals affected with IRF7-related conditions.

NM_001572.5(IRF7):c.1145G>A (p.Gly382Glu)

Gene: IRF7 (interferon regulatory factor 7; minus strand). Cytogenetic location: 11p15.5.
Variant type: single nucleotide variant.
Coding change: c.1145G>A on transcript NM_001572.5 (MANE Select); coding-DNA position 1145, G replaced by A.
Protein change: p.Gly382Glu; replaces glycine 382 with glutamic acid.
Molecular consequence: missense variant.
Genome position (GRCh38, 1-based): chr11:613,298, C>T on the plus strand (G>A on the coding strand, the complement: IRF7 is on the minus strand). VCF-style: chr11-613298-C-T. GRCh37 (hg19) VCF-style: chr11-613298-C-T.
Other names: c.1058G>A, p.Gly353Glu (NM_004029.4); c.1184G>A, p.Gly395Glu (NM_004031.4); short protein forms G382E, G395E, G353E.
Identifiers: ClinVar variation 2060183 (VCV002060183.4), dbSNP rs1856553884, ClinGen allele CA378978771.